The following is an entry in ClinVar:

NM_015978.3(TNNI3K):c.543+6T>C

Genes: FPGT-TNNI3K (FPGT-TNNI3K readthrough; plus strand), TNNI3K (TNNI3 interacting kinase; plus strand). Cytogenetic location: 1p31.1.
Variant type: single nucleotide variant.
Coding change: c.543+6T>C on transcript NM_015978.3 (MANE Select); 6 bases into the intron after coding-DNA position 543, T replaced by C.
Molecular consequence: intron variant.
Genome position (GRCh38, 1-based): chr1:74,331,554, T>C. VCF-style: chr1-74331554-T-C. GRCh37 (hg19) VCF-style: chr1-74797238-T-C.
Other names: c.846+6T>C (NM_001112808.3, NM_001199327.2).
Identifiers: ClinVar variation 2786446 (VCV002786446.3), dbSNP rs1455514716, ClinGen allele CA738753701.

ClinVar aggregate classification (germline): Uncertain significance (1 of 4 stars; one submission).

Allele frequency attached by ClinVar (database versions not stated): gnomAD 0.00001.
gnomAD v4.1: 1 of 1,607,540 alleles (0.000062%); highest among the groups gnomAD compares: Non-Finnish European, 0.000085%; no homozygotes.

Submission:

Labcorp Genetics (formerly Invitae), Labcorp
Classification: Uncertain significance. Last evaluated: 2023-02-04. Review status: criteria provided, single submitter. Criteria: Invitae Variant Classification Sherloc (09022015). Collection method: clinical testing. Allele origin: germline.
Comment: Variants that disrupt the consensus splice site are a relatively common cause of aberrant splicing (PMID: 17576681, 9536098). Algorithms developed to predict the effect of sequence changes on RNA splicing suggest that this variant is not likely to affect RNA splicing. In summary, the available evidence is currently insufficient to determine the role of this variant in disease. Therefore, it has been classified as a Variant of Uncertain Significance. This variant has not been reported in the literature in individuals affected with TNNI3K-related conditions. This sequence change falls in intron 6 of the TNNI3K gene. It does not directly change the encoded amino acid sequence of the TNNI3K protein. It affects a nucleotide within the consensus splice site. This variant is not present in population databases (gnomAD no frequency).

Literature cited by the submitters: PubMed 17576681; PubMed 9536098.